The following is an entry in ClinVar:

GRCh38/hg38 13q14.2(chr13:49498995-49709683)x1

Genes: ARL11 (ARF like GTPase 11; plus strand), EBPL (EBP like; minus strand), KPNA3 (karyopherin subunit alpha 3; minus strand), PHF11 (PHD finger protein 11; plus strand), RCBTB1 (RCC1 and BTB domain containing protein 1; minus strand) and 6 more. Cytogenetic location: 13q14.2.
Variant type: copy number loss.
Change: copy number 1 (one copy instead of two) of chr13:49,498,995-49,709,683 (210.7 kb, GRCh38 coordinates, 1-based), cytogenetic band 13q14.2.
Identifiers: ClinVar variation 4796172 (VCV004796172.1).

ClinVar aggregate classification (germline): Uncertain significance (1 of 4 stars; one submission).

Submission:

Medical Genetic Center, Changzhi Maternal and Child Health Care Hospital
Classification: Uncertain significance. Last evaluated: 2025-12-10. Review status: criteria provided, single submitter. Criteria: ACMG/ClinGen CNV Guidelines, 2019. Collection method: clinical testing. Allele origin: unknown.
Comment: 1A, KPNA3 partial deletion (NM_002267.4, exon 12-17)